The following is an entry in ClinVar:

ClinVar aggregate classification (germline): Uncertain significance (1 of 4 stars; one submission).

Submission:

Labcorp Genetics (formerly Invitae), Labcorp
Classification: Uncertain significance. Last evaluated: 2022-07-06. Review status: criteria provided, single submitter. Criteria: Invitae Variant Classification Sherloc (09022015). Collection method: clinical testing. Allele origin: germline.
Comment: In summary, the available evidence is currently insufficient to determine the role of this variant in disease. Therefore, it has been classified as a Variant of Uncertain Significance. Algorithms developed to predict the effect of missense changes on protein structure and function are either unavailable or do not agree on the potential impact of this missense change (SIFT: "Not Available"; PolyPhen-2: "Benign"; Align-GVGD: "Not Available"). This variant has not been reported in the literature in individuals affected with NTHL1-related conditions. This variant is not present in population databases (gnomAD no frequency). This sequence change replaces threonine, which is neutral and polar, with isoleucine, which is neutral and non-polar, at codon 115 of the NTHL1 protein (p.Thr115Ile).

NM_002528.7(NTHL1):c.320C>T (p.Thr107Ile)

Gene: NTHL1 (nth like DNA glycosylase 1; minus strand). Cytogenetic location: 16p13.3.
Variant type: single nucleotide variant.
Coding change: c.320C>T on transcript NM_002528.7 (MANE Select); coding-DNA position 320, C replaced by T.
Protein change: p.Thr107Ile; replaces threonine 107 with isoleucine.
Molecular consequence: missense variant. On other transcripts: intron variant (1).
Genome position (GRCh38, 1-based): chr16:2,046,162, G>A on the plus strand (C>T on the coding strand, the complement: NTHL1 is on the minus strand). VCF-style: chr16-2046162-G-A. GRCh37 (hg19) VCF-style: chr16-2096163-G-A.
Other names: c.320C>T, p.Thr107Ile (NM_001318193.2); c.24+118C>T (NM_001318194.2); short protein forms T107I.
Identifiers: ClinVar variation 2014505 (VCV002014505.4), dbSNP rs2548319383, ClinGen allele CA394295285.